The following is an entry in ClinVar:

ClinVar aggregate classification (germline): Pathogenic (1 of 4 stars; one submission).

Conditions:
Primary ciliary dyskinesia 3. Identifiers: Orphanet 244, MedGen C1837618, MONDO:0012085, OMIM 608644.

Submission:

Myriad Genetics, Inc.
Classification: Pathogenic for Primary ciliary dyskinesia 3. Last evaluated: 2024-12-10. Review status: criteria provided, single submitter. Criteria: Myriad Autosomal Dominant, Autosomal Recessive and X-Linked Classification Criteria (2023). Collection method: clinical testing. Allele origin: unknown.
Comment: NM_001369.2(DNAH5):c.383dupT(F129Vfs*6) is expected to be pathogenic in the context of primary ciliary dyskinesia, DNAH5-related. This variant is predicted to lead to an abnormal or absent protein product due to the creation of a premature termination codon in DNAH5, a gene where loss-of-function variants are known to be pathogenic. Please note: this variant was assessed in the context of healthy population screening.

NM_001369.3(DNAH5):c.383dup (p.Phe129fs)

Gene: DNAH5 (dynein axonemal heavy chain 5; minus strand). Cytogenetic location: 5p15.2.
Variant type: Duplication.
Coding change: c.383dup on transcript NM_001369.3 (MANE Select); coding-DNA position 383, one base duplicated (T; older notation c.383dupT).
Protein change: p.Phe129fs; shifts the reading frame from phenylalanine 129.
Molecular consequence: frameshift variant.
Genome position (GRCh38, 1-based): chr5:13,923,335, A duplicated on the plus strand (T on the coding strand, the reverse complement: DNAH5 is on the minus strand). VCF-style (leftmost placement, unchanged base first): chr5-13923334-C-CA. GRCh37 (hg19) VCF-style: chr5-13923443-C-CA.
Other names: short protein forms F129fs.
Identifiers: ClinVar variation 5013844 (VCV005013844.1).